The following is an entry in ClinVar:

NM_000478.6(ALPL):c.434_437del (p.Asn145fs)

Gene: ALPL (alkaline phosphatase, biomineralization associated; plus strand). Cytogenetic location: 1p36.12.
Variant type: Deletion.
Coding change: c.434_437del on transcript NM_000478.6 (MANE Select); coding-DNA positions 434 to 437, 4 bases deleted (ACGA; older notation c.434_437delACGA).
Protein change: p.Asn145fs; shifts the reading frame from asparagine 145.
Molecular consequence: frameshift variant.
Genome position (GRCh38, 1-based): chr1:21,563,246-21,563,249, ACGA deleted; deleting any 4 consecutive bases within chr1:21,563,244-21,563,249 gives the same sequence; the c. name uses the placement nearest the transcript's 3' end. VCF-style (leftmost placement, unchanged base first): chr1-21563243-GGAAC-G. GRCh37 (hg19) VCF-style: chr1-21889736-GGAAC-G.
Other names: c.269_272del, p.Asn90fs (NM_001127501.4); c.203_206del, p.Asn68fs (NM_001177520.3); c.434_437del, p.Asn145fs (NM_001369803.2, NM_001369804.2, NM_001369805.2); short protein forms N145fs, N68fs, N90fs.
Identifiers: ClinVar variation 1725911 (VCV001725911.3), dbSNP rs2545299657, ClinGen allele CA2580061456.

ClinVar aggregate classification (germline): Likely pathogenic (1 of 4 stars; one submission).

Conditions:
Hypophosphatasia. Also called: Phosphoethanol-aminuria. Identifiers: Orphanet 436, MedGen C0020630, MeSH D007014, MONDO:0018570.

Submission:

Myriad Genetics, Inc.
Classification: Likely pathogenic for Hypophosphatasia. Last evaluated: 2022-04-13. Review status: criteria provided, single submitter. Criteria: Myriad Autosomal Dominant, Autosomal Recessive and X-Linked Classification Criteria (2023). Collection method: clinical testing. Allele origin: unknown.
Comment: NM_000478.4(ALPL):c.434_437delACGA(N145Rfs*19) is expected to be pathogenic in the context of hypophosphatasia. This variant is predicted to lead to an abnormal or absent protein product due to the creation of a premature termination codon in ALPL, a gene where loss-of-function variants are known to be pathogenic. Please note: this variant was assessed in the context of healthy population screening.